The following is an entry in ClinVar:

NM_005271.5(GLUD1):c.1197+5C>A

Gene: GLUD1 (glutamate dehydrogenase 1; minus strand). Cytogenetic location: 10q23.2.
Variant type: single nucleotide variant.
Coding change: c.1197+5C>A on transcript NM_005271.5 (MANE Select); 5 bases into the intron after coding-DNA position 1197, C replaced by A.
Molecular consequence: intron variant.
Genome position (GRCh38, 1-based): chr10:87,060,683, G>T on the plus strand (C>A on the coding strand, the complement: GLUD1 is on the minus strand). VCF-style: chr10-87060683-G-T. GRCh37 (hg19) VCF-style: chr10-88820440-G-T.
Other names: c.696+5C>A (NM_001318906.2, NM_001318904.2, NM_001318905.2 and 2 more transcripts); c.798+5C>A (NM_001318900.1).
Identifiers: ClinVar variation 1937004 (VCV001937004.5), dbSNP rs2539819077, ClinGen allele CA2580082090.

ClinVar aggregate classification (germline): Uncertain significance (1 of 4 stars; one submission).

Conditions:
Hyperinsulinism-hyperammonemia syndrome (HHF6). Identifiers: Orphanet 35878, MedGen C1847555, MONDO:0011717, OMIM 606762.

Submission:

Labcorp Genetics (formerly Invitae), Labcorp
Classification: Uncertain significance for Hyperinsulinism-hyperammonemia syndrome. Last evaluated: 2022-10-03. Review status: criteria provided, single submitter. Criteria: Invitae Variant Classification Sherloc (09022015). Collection method: clinical testing. Allele origin: germline.
Comment: This sequence change falls in intron 8 of the GLUD1 gene. It does not directly change the encoded amino acid sequence of the GLUD1 protein. It affects a nucleotide within the consensus splice site. In summary, the available evidence is currently insufficient to determine the role of this variant in disease. Therefore, it has been classified as a Variant of Uncertain Significance. Variants that disrupt the consensus splice site are a relatively common cause of aberrant splicing (PMID: 17576681, 9536098). Algorithms developed to predict the effect of sequence changes on RNA splicing suggest that this variant is not likely to affect RNA splicing. This variant has not been reported in the literature in individuals affected with GLUD1-related conditions. This variant is not present in population databases (gnomAD no frequency).

Literature cited by the submitters: PubMed 17576681; PubMed 9536098.